The following is an entry in ClinVar:

ClinVar aggregate classification (germline): Uncertain significance (1 of 4 stars; one submission).

Conditions:
Hyperphosphatasia with impaired intellectual development syndrome 2. Also called: Hyperphosphatasia with intellectual disability syndrome 2; GLYCOSYLPHOSPHATIDYLINOSITOL BIOSYNTHESIS DEFECT 6. Identifiers: Orphanet 247262, MedGen C3553637, MONDO:0013882, OMIM 614749.

Allele frequency attached by ClinVar (database versions not stated): gnomAD exomes below 0.00001 and 0.00001; ExAC 0.00001; gnomAD 0.00004 and 0.00003; TOPMed 0.00004.

Submission:

Labcorp Genetics (formerly Invitae), Labcorp
Classification: Uncertain significance for Hyperphosphatasia with impaired intellectual development syndrome 2. Last evaluated: 2022-06-27. Review status: criteria provided, single submitter. Criteria: Invitae Variant Classification Sherloc (09022015). Collection method: clinical testing. Allele origin: germline.
Comment: This sequence change replaces proline, which is neutral and non-polar, with serine, which is neutral and polar, at codon 486 of the PIGO protein (p.Pro486Ser). This variant is present in population databases (rs766397462, gnomAD 0.008%). This variant has not been reported in the literature in individuals affected with PIGO-related conditions. ClinVar contains an entry for this variant (Variation ID: 955275). Algorithms developed to predict the effect of missense changes on protein structure and function output the following: SIFT: "Tolerated"; PolyPhen-2: "Benign"; Align-GVGD: "Class C0". The serine amino acid residue is found in multiple mammalian species, which suggests that this missense change does not adversely affect protein function. In summary, the available evidence is currently insufficient to determine the role of this variant in disease. Therefore, it has been classified as a Variant of Uncertain Significance.

NM_032634.4(PIGO):c.1456C>T (p.Pro486Ser)

Gene: PIGO (phosphatidylinositol glycan anchor biosynthesis class O; minus strand). Cytogenetic location: 9p13.3.
Variant type: single nucleotide variant.
Coding change: c.1456C>T on transcript NM_032634.4 (MANE Select); coding-DNA position 1456, C replaced by T.
Protein change: p.Pro486Ser; replaces proline 486 with serine.
Molecular consequence: missense variant. On other transcripts: intron variant (2).
Genome position (GRCh38, 1-based): chr9:35,092,431, G>A on the plus strand (C>T on the coding strand, the complement: PIGO is on the minus strand). VCF-style: chr9-35092431-G-A. GRCh37 (hg19) VCF-style: chr9-35092428-G-A.
Other names: c.1344+112C>T (NM_152850.4, NM_001201484.2); short protein forms P486S.
Identifiers: ClinVar variation 955275 (VCV000955275.7), dbSNP rs766397462, ClinGen allele CA5040629.